The following is an entry in ClinVar:

ClinVar aggregate classification (germline): Uncertain significance. Review status: criteria provided, multiple submitters, no conflicts (2 of 4 stars). 2 submissions from 2 submitters: Uncertain significance (2). Last evaluated 2025-12-30.

Conditions:
Rothmund-Thomson syndrome type 2 (RTS2). Identifiers: Orphanet 221016, MedGen C5203410, MONDO:0016369, OMIM 268400.
Baller-Gerold syndrome (BGS). Also called: CRANIOSYNOSTOSIS WITH RADIAL DEFECTS. Identifiers: Orphanet 1225, MedGen C0265308, MONDO:0009039, OMIM 218600.

Allele frequency attached by ClinVar (database versions not stated): gnomAD 0.00004; TOPMed 0.00005.
gnomAD v4.1: 19 of 1,612,002 alleles (0.0012%); highest among the groups gnomAD compares: Admixed American, 0.028%; no homozygotes.

Submissions (2):

Labcorp Genetics (formerly Invitae), Labcorp
Classification: Uncertain significance for Baller-Gerold syndrome. Last evaluated: 2025-12-30. Review status: criteria provided, single submitter. Criteria: Invitae Variant Classification Sherloc (09022015). Collection method: clinical testing. Allele origin: germline.
Comment: This sequence change replaces leucine, which is neutral and non-polar, with proline, which is neutral and non-polar, at codon 927 of the RECQL4 protein (p.Leu927Pro). This variant is present in population databases (rs774274636, gnomAD 0.03%). This variant has not been reported in the literature in individuals affected with RECQL4-related conditions. ClinVar contains an entry for this variant (Variation ID: 574984). Invitae Evidence Modeling of protein sequence and biophysical properties (such as structural, functional, and spatial information, amino acid conservation, physicochemical variation, residue mobility, and thermodynamic stability) indicates that this missense variant is expected to disrupt RECQL4 protein function with a positive predictive value of 80%. In summary, the available evidence is currently insufficient to determine the role of this variant in disease. Therefore, it has been classified as a Variant of Uncertain Significance.

Baylor Genetics
Classification: Uncertain significance for Rothmund-Thomson syndrome type 2. Last evaluated: 2021-10-26. Review status: criteria provided, single submitter. Criteria: ACMG Guidelines, 2015. Collection method: clinical testing. Allele origin: unknown. Affected: yes. Study: CSER-TexasKidsCanSeq.
Comment: This variant was determined to be of uncertain significance according to ACMG Guidelines, 2015 [PMID:25741868].

NM_004260.4(RECQL4):c.2780T>C (p.Leu927Pro)

Gene: RECQL4 (RecQ like helicase 4; minus strand). Cytogenetic location: 8q24.3.
Variant type: single nucleotide variant.
Coding change: c.2780T>C on transcript NM_004260.4 (MANE Select); coding-DNA position 2780, T replaced by C.
Protein change: p.Leu927Pro; replaces leucine 927 with proline.
Molecular consequence: missense variant.
Genome position (GRCh38, 1-based): chr8:144,512,747, A>G on the plus strand (T>C on the coding strand, the complement: RECQL4 is on the minus strand). VCF-style: chr8-144512747-A-G. GRCh37 (hg19) VCF-style: chr8-145738130-A-G.
Other names: short protein forms L927P.
Identifiers: ClinVar variation 574984 (VCV000574984.10), dbSNP rs774274636, ClinGen allele CA4948075.